The following is an entry in ClinVar:

NM_014806.5(RUSC2):c.488G>A (p.Arg163His)

Gene: RUSC2 (RUN and SH3 domain containing 2; plus strand). Cytogenetic location: 9p13.3.
Variant type: single nucleotide variant.
Coding change: c.488G>A on transcript NM_014806.5 (MANE Select); coding-DNA position 488, G replaced by A.
Protein change: p.Arg163His; replaces arginine 163 with histidine.
Molecular consequence: missense variant. On other transcripts: non-coding transcript variant (1), intron variant (1).
Genome position (GRCh38, 1-based): chr9:35,547,009, G>A. VCF-style: chr9-35547009-G-A. GRCh37 (hg19) VCF-style: chr9-35547006-G-A.
Other names: c.488G>A (NM_001135999.1); c.488G>A, p.Arg163His (NM_001135999.2); c.-620-8051G>A (NM_001330740.2); short protein forms R163H.
Identifiers: ClinVar variation 1599680 (VCV001599680.10), dbSNP rs532018473, ClinGen allele CA5043475.
Genomic context (GRCh38, chr9:35,547,009, plus strand): 5'-TATCCTCTTTCCAGCTGCCACCATCTGGCCCCAGAGTGGGCAGGCCATGGGGGACAACAC[G>A]CAGTCGGGCTGGAGTGGTGGAAGGGCAGGAACAGGAGCCAGTGATGACCTTGGATACTCA-3'
Protein context (NP_055621.2, residues 153-173): PRVGRPWGTT[Arg163His]SRAGVVEGQE

ClinVar aggregate classification (germline): Benign. Review status: criteria provided, single submitter (1 of 4 stars). 2 submissions from 2 submitters: Benign (1). 1 of the submissions does not count toward it. Last evaluated 2026-01-19.

Conditions:
RUSC2-related disorder. Also called: RUSC2-related condition.

Allele frequency attached by ClinVar (database versions not stated): gnomAD 0.00005 and 0.00055; TOPMed 0.00011; gnomAD exomes 0.00106 and 0.00198; ExAC 0.00244; 1000 Genomes Project 30x 0.00328; 1000 Genomes Project 0.00379.

Submissions (2):

Labcorp Genetics (formerly Invitae), Labcorp
Classification: Benign. Last evaluated: 2026-01-19. Review status: criteria provided, single submitter. Criteria: Invitae Variant Classification Sherloc (09022015). Collection method: clinical testing. Allele origin: germline.

PreventionGenetics, part of Exact Sciences
Classification: Benign for RUSC2-related condition. Last evaluated: 2019-05-10. Review status: no assertion criteria provided. Collection method: clinical testing. Allele origin: germline. Not counted in ClinVar's aggregate classification.
Comment: This variant is classified as benign based on ACMG/AMP sequence variant interpretation guidelines (Richards et al. 2015 PMID: 25741868, with internal and published modifications).